The following is an entry in ClinVar:

ClinVar aggregate classification (germline): Likely benign (1 of 4 stars; one submission).

Allele frequency attached by ClinVar (database versions not stated): 1000 Genomes Project 30x 0.00016.

Submission:

CeGaT Center for Human Genetics Tuebingen
Classification: Likely benign. Last evaluated: 2024-08-01. Review status: criteria provided, single submitter. Criteria: CeGaT Center For Human Genetics Tuebingen Variant Classification Criteria Version 2. Collection method: clinical testing. Allele origin: germline. Affected: yes. Observed: 2 variant alleles.
Comment: CIC: BP4, BP7

NM_001386298.1(CIC):c.7419G>A (p.Ser2473=)

Gene: CIC (capicua transcriptional repressor; plus strand). Cytogenetic location: 19q13.2.
Variant type: single nucleotide variant.
Coding change: c.7419G>A on transcript NM_001386298.1 (MANE Select); coding-DNA position 7419, G replaced by A.
Protein change: p.Ser2473=; no amino-acid change (serine 2473 retained).
Molecular consequence: synonymous variant.
Genome position (GRCh38, 1-based): chr19:42,295,056, G>A. VCF-style: chr19-42295056-G-A. GRCh37 (hg19) VCF-style: chr19-42799208-G-A.
Other names: c.7419G>A, p.Ser2473= (NM_001304815.2); c.7416G>A, p.Ser2472= (NM_001379480.1, NM_001379482.1, NM_001379483.1); c.4686G>A, p.Ser1562= (NM_001379484.1); c.4683G>A, p.Ser1561= (NM_001379485.1); c.4692G>A, p.Ser1564= (NM_015125.5).
Identifiers: ClinVar variation 2650021 (VCV002650021.24), dbSNP rs750834733, ClinGen allele CA9473008.